The following is an entry in ClinVar:

ClinVar aggregate classification (germline): Benign/Likely benign. Review status: criteria provided, multiple submitters, no conflicts (2 of 4 stars). 5 submissions from 5 submitters: Benign (2); Likely benign (3). Last evaluated 2026-09-01.

Conditions:
Frontotemporal dementia (FTD1). Also called: Dementia, frontotemporal, with or without parkinsonism; Frontotemporal lobe dementia (FLDEM); FRONTOTEMPORAL DEMENTIA WITH PARKINSONISM; FRONTOTEMPORAL LOBE DEMENTIA; MULTIPLE SYSTEM TAUOPATHY WITH PRESENILE DEMENTIA; Frontotemporal Dementia with Parkinsonism-17 (FTDP-17). Identifiers: Orphanet 282, MedGen C0338451, MONDO:0017276, OMIM 600274, HP:0002145.

Allele frequency attached by ClinVar (database versions not stated): 1000 Genomes Project 30x 0.00078; 1000 Genomes Project 0.00100; TOPMed 0.00143; ExAC 0.00146; gnomAD 0.00157 and 0.00160; ESP Exome Variant Server 0.00161; gnomAD exomes 0.00166 and 0.00194.
gnomAD v4.1: 3,089 of 1,614,206 alleles (0.19%); highest among the groups gnomAD compares: Non-Finnish European, 0.22%; 10 homozygotes.

Submissions (5):

CeGaT Center for Human Genetics Tuebingen
Classification: Likely benign. Last evaluated: 2026-09-01. Review status: criteria provided, single submitter. Criteria: CeGaT Center For Human Genetics Tuebingen Variant Classification Criteria Version 2. Collection method: clinical testing. Allele origin: germline. Affected: yes. Observed: 15 variant alleles.
Comment: MAPT: BP4, BS1

Women's Health and Genetics/Laboratory Corporation of America, LabCorp
Classification: Benign. Last evaluated: 2025-05-13. Review status: criteria provided, single submitter. Criteria: LabCorp Variant Classification Summary - May 2015. Collection method: clinical testing. Allele origin: germline.

Labcorp Genetics (formerly Invitae), Labcorp
Classification: Likely benign for Frontotemporal dementia. Last evaluated: 2024-01-18. Review status: criteria provided, single submitter. Criteria: Invitae Variant Classification Sherloc (09022015). Collection method: clinical testing. Allele origin: germline.

GeneDx
Classification: Benign. Last evaluated: 2019-12-17. Review status: criteria provided, single submitter. Criteria: GeneDx Variant Classification Process June 2021. Collection method: clinical testing. Allele origin: germline. Affected: yes.
Comment: This variant is associated with the following publications: (PMID: 27094865, 29887346, 27776828, 22312439, 30363439, 25937274)

Mendelics
Classification: Likely benign for Frontotemporal dementia. Last evaluated: 2019-05-28. Review status: criteria provided, single submitter. Criteria: Mendelics Assertion Criteria 2017. Collection method: clinical testing. Allele origin: unknown.

NM_001377265.1(MAPT):c.1505C>T (p.Ser502Phe)

Gene: MAPT (microtubule associated protein tau). Cytogenetic location: 17q21.31.
Variant type: single nucleotide variant.
Coding change: c.1505C>T on transcript NM_001377265.1 (MANE Select); coding-DNA position 1505, C replaced by T.
Protein change: p.Ser502Phe; replaces serine 502 with phenylalanine.
Molecular consequence: missense variant. On other transcripts: intron variant (9).
Genome position (GRCh38, 1-based): chr17:45,989,975, C>T. VCF-style: chr17-45989975-C-T. GRCh37 (hg19) VCF-style: chr17-44067341-C-T.
Other names: c.1280C>T, p.Ser427Phe (NM_001123066.4, NM_016835.5); c.256-1485C>T (NM_001377268.1, NM_016834.5, NM_016841.5); c.430-1485C>T (NM_005910.6, NM_001203252.2); c.1408-1485C>T (NM_001377266.1); c.343-1485C>T (NM_001123067.4, NM_001203251.2, NM_001377267.1); short protein forms S427F, S502F.
Identifiers: ClinVar variation 460294 (VCV000460294.55), dbSNP rs143956882, ClinGen allele CA8617915.